The following is an entry in ClinVar:

ClinVar aggregate classification (germline): Uncertain significance (1 of 4 stars; one submission).

Submission:

GeneDx
Classification: Uncertain significance. Last evaluated: 2026-10-15. Review status: criteria provided, single submitter. Criteria: GeneDx Variant Classification Process June 2021. Collection method: clinical testing. Allele origin: germline.
Comment: In-frame duplication of 3 amino acids in a non-repeat region; Not observed at significant frequency in large population cohorts (gnomAD); Has not been previously published as pathogenic or benign to our knowledge

NM_005477.3(HCN4):c.3391_3399dup (p.Gly1133_Gly1134insSerSerGly)

Gene: HCN4 (hyperpolarization activated cyclic nucleotide gated potassium channel 4; minus strand). Cytogenetic location: 15q24.1.
Variant type: Duplication.
Coding change: c.3391_3399dup on transcript NM_005477.3 (MANE Select); coding-DNA positions 3391 to 3399, 9 bases duplicated (AGCAGCGGG; older notation c.3391_3399dupAGCAGCGGG).
Protein change: p.Gly1133_Gly1134insSerSerGly.
Genome position (GRCh38, 1-based): chr15:73,322,694-73,322,702, CCCGCTGCT duplicated on the plus strand (AGCAGCGGG on the coding strand, the reverse complement: HCN4 is on the minus strand); duplicating any 9 consecutive bases within chr15:73,322,694-73,322,705 gives the same sequence; the c. name uses the placement nearest the transcript's 3' end. VCF-style (leftmost placement, unchanged base first): chr15-73322693-C-CCCCGCTGCT. GRCh37 (hg19) VCF-style: chr15-73615034-C-CCCCGCTGCT.
Identifiers: ClinVar variation 3906700 (VCV003906700.2).
Genomic context (GRCh38, chr15:73,322,693, plus strand): 5'-GAGGCAGAGTGACGTGCTGGCCGGGGATGGCACCATAGGGCCTCCCAGGGGGACCGAGGC[C>CCCCGCTGCT]CCCGCTGCTCCCACTGCCCCCGCTGCCACCCCCAGCCCTGGGGAAGAGCGGGAAGGCAGC-3'